The following is an entry in ClinVar:

ClinVar aggregate classification (germline): Uncertain significance. Review status: criteria provided, multiple submitters, no conflicts (2 of 4 stars). 2 submissions from 2 submitters: Uncertain significance (2). Last evaluated 2025-08-07.

Conditions:
Hereditary cancer-predisposing syndrome. Also called: Neoplastic Syndromes, Hereditary; Tumor predisposition; Hereditary Cancer Syndrome; Hereditary neoplastic syndrome. Identifiers: Orphanet 140162, MedGen C0027672, MeSH D009386, MONDO:0015356.

Submissions (2):

Labcorp Genetics (formerly Invitae), Labcorp
Classification: Uncertain significance for Hereditary cancer-predisposing syndrome. Last evaluated: 2025-08-07. Review status: criteria provided, single submitter. Criteria: Invitae Variant Classification Sherloc (09022015). Collection method: clinical testing. Allele origin: germline.
Comment: This sequence change replaces lysine, which is basic and polar, with glutamic acid, which is acidic and polar, at codon 1026 of the RAD50 protein (p.Lys1026Glu). This variant is not present in population databases (gnomAD no frequency). This variant has not been reported in the literature in individuals affected with RAD50-related conditions. ClinVar contains an entry for this variant (Variation ID: 639988). Invitae Evidence Modeling of protein sequence and biophysical properties (such as structural, functional, and spatial information, amino acid conservation, physicochemical variation, residue mobility, and thermodynamic stability) indicates that this missense variant is not expected to disrupt RAD50 protein function with a negative predictive value of 80%. In summary, the available evidence is currently insufficient to determine the role of this variant in disease. Therefore, it has been classified as a Variant of Uncertain Significance.

Ambry Genetics
Classification: Uncertain significance for Hereditary cancer-predisposing syndrome. Last evaluated: 2025-06-13. Review status: criteria provided, single submitter. Criteria: Ambry Variant Classification Scheme 2023. Collection method: clinical testing. Allele origin: germline.
Comment: The p.K1026E variant (also known as c.3076A>G), located in coding exon 20 of the RAD50 gene, results from an A to G substitution at nucleotide position 3076. The lysine at codon 1026 is replaced by glutamic acid, an amino acid with similar properties. This amino acid position is highly conserved in available vertebrate species. In addition, the in silico prediction for this alteration is inconclusive. Since supporting evidence is limited at this time, the clinical significance of this alteration remains unclear.

NM_005732.4(RAD50):c.3076A>G (p.Lys1026Glu)

Gene: RAD50 (RAD50 double strand break repair protein; plus strand). Cytogenetic location: 5q31.1.
Variant type: single nucleotide variant.
Coding change: c.3076A>G on transcript NM_005732.4 (MANE Select); coding-DNA position 3076, A replaced by G.
Protein change: p.Lys1026Glu; replaces lysine 1026 with glutamic acid.
Molecular consequence: missense variant.
Genome position (GRCh38, 1-based): chr5:132,616,042, A>G. VCF-style: chr5-132616042-A-G. GRCh37 (hg19) VCF-style: chr5-131951734-A-G.
Other names: short protein forms K1026E.
Identifiers: ClinVar variation 639988 (VCV000639988.12), dbSNP rs587781740, ClinGen allele CA127264207.